The following is an entry in ClinVar:

NM_006929.5(SKIC2):c.1045G>A (p.Ala349Thr)

Genes: SKIC2 (SKI2 subunit of superkiller complex; plus strand), LOC126859653 (CDK7 strongly-dependent group 2 enhancer GRCh37_chr6:31929542-31930741; plus strand). Cytogenetic location: 6p21.33.
Variant type: single nucleotide variant.
Coding change: c.1045G>A on transcript NM_006929.5 (MANE Select); coding-DNA position 1045, G replaced by A.
Protein change: p.Ala349Thr; replaces alanine 349 with threonine.
Molecular consequence: missense variant.
Genome position (GRCh38, 1-based): chr6:31,962,035, G>A. VCF-style: chr6-31962035-G-A. GRCh37 (hg19) VCF-style: chr6-31929812-G-A.
Other names: short protein forms A349T.
Identifiers: ClinVar variation 1940482 (VCV001940482.2), dbSNP rs1263873704, ClinGen allele CA363449525.
Genomic context (GRCh38, chr6:31,962,035, plus strand): 5'-TTTGTCGCAGCTCACACATCTGCAGGAAAAACAGTTGTGGCTGAATATGCCATTGCCCTG[G>A]CCCAGAAACACATGACACGGTATGAGTTCCTTTGCCAACCTCCCCCTTCACCAGCCAGCC-3'
Protein context (NP_008860.4, residues 339-359): TVVAEYAIAL[Ala349Thr]QKHMTRTIYT

ClinVar aggregate classification (germline): Uncertain significance (1 of 4 stars; one submission).

Allele frequency attached by ClinVar (database versions not stated): gnomAD 0.00001; gnomAD exomes 0.00001.
gnomAD v4.1: 12 of 1,612,860 alleles (0.00074%); highest among the groups gnomAD compares: Middle Eastern, 0.016%; no homozygotes.

Submission:

Labcorp Genetics (formerly Invitae), Labcorp
Classification: Uncertain significance. Last evaluated: 2021-12-19. Review status: criteria provided, single submitter. Criteria: Invitae Variant Classification Sherloc (09022015). Collection method: clinical testing. Allele origin: germline.
Comment: This sequence change replaces alanine, which is neutral and non-polar, with threonine, which is neutral and polar, at codon 349 of the SKIV2L protein (p.Ala349Thr). This variant is present in population databases (no rsID available, gnomAD 0.003%). This variant has not been reported in the literature in individuals affected with SKIV2L-related conditions. Algorithms developed to predict the effect of missense changes on protein structure and function are either unavailable or do not agree on the potential impact of this missense change (SIFT: "Tolerated"; PolyPhen-2: "Possibly Damaging"; Align-GVGD: "Class C0"). In summary, the available evidence is currently insufficient to determine the role of this variant in disease. Therefore, it has been classified as a Variant of Uncertain Significance.